The following is an entry in ClinVar:

NM_001365951.3(KIF1B):c.3952C>T (p.Arg1318Cys)

Gene: KIF1B (kinesin family member 1B; plus strand). Cytogenetic location: 1p36.22.
Variant type: single nucleotide variant.
Coding change: c.3952C>T on transcript NM_001365951.3 (MANE Select); coding-DNA position 3952, C replaced by T.
Protein change: p.Arg1318Cys; replaces arginine 1318 with cysteine.
Molecular consequence: missense variant.
Genome position (GRCh38, 1-based): chr1:10,352,633, C>T. VCF-style: chr1-10352633-C-T. GRCh37 (hg19) VCF-style: chr1-10412691-C-T.
Other names: c.3952C>T, p.Arg1318Cys (NM_001365952.1); c.3814C>T, p.Arg1272Cys (NM_015074.3); short protein forms R1318C, R1272C.
Identifiers: ClinVar variation 1498329 (VCV001498329.10), dbSNP rs776039242, ClinGen allele CA581953.

ClinVar aggregate classification (germline): Uncertain significance. Review status: criteria provided, multiple submitters, no conflicts (2 of 4 stars). 2 submissions from 2 submitters: Uncertain significance (2). Last evaluated 2025-06-14.

Conditions:
Charcot-Marie-Tooth disease type 2. Also called: Charcot-Marie-Tooth type 2. Identifiers: Orphanet 64746, MedGen C0270914, MONDO:0018993.

Allele frequency attached by ClinVar (database versions not stated): ExAC 0.00002; TOPMed 0.00001; gnomAD exomes 0.00002.
gnomAD v4.1: 9 of 1,611,584 alleles (0.00056%); highest among the groups gnomAD compares: Middle Eastern, 0.017%; no homozygotes.

Submissions (2):

Ambry Genetics
Classification: Uncertain significance. Last evaluated: 2025-06-14. Review status: criteria provided, single submitter. Criteria: Ambry Variant Classification Scheme 2023. Collection method: clinical testing. Allele origin: germline.
Comment: The p.R1272C variant (also known as c.3814C>T), located in coding exon 35 of the KIF1B gene, results from a C to T substitution at nucleotide position 3814. The arginine at codon 1272 is replaced by cysteine, an amino acid with highly dissimilar properties. This amino acid position is highly conserved in available vertebrate species. In addition, this alteration is predicted to be deleterious by in silico analysis. Since supporting evidence is limited at this time, the clinical significance of this alteration remains unclear.

Labcorp Genetics (formerly Invitae), Labcorp
Classification: Uncertain significance for Charcot-Marie-Tooth disease type 2. Last evaluated: 2024-05-29. Review status: criteria provided, single submitter. Criteria: Invitae Variant Classification Sherloc (09022015). Collection method: clinical testing. Allele origin: germline.
Comment: This sequence change replaces arginine, which is basic and polar, with cysteine, which is neutral and slightly polar, at codon 1272 of the KIF1B protein (p.Arg1272Cys). This variant is present in population databases (rs776039242, gnomAD 0.006%). This variant has not been reported in the literature in individuals affected with KIF1B-related conditions. ClinVar contains an entry for this variant (Variation ID: 1498329). An algorithm developed to predict the effect of missense changes on protein structure and function (PolyPhen-2) suggests that this variant is likely to be disruptive. In summary, the available evidence is currently insufficient to determine the role of this variant in disease. Therefore, it has been classified as a Variant of Uncertain Significance.